The following is an entry in ClinVar:

NM_198578.4(LRRK2):c.4316A>G (p.Lys1439Arg)

Gene: LRRK2 (leucine rich repeat kinase 2; plus strand). Cytogenetic location: 12q12.
Variant type: single nucleotide variant.
Coding change: c.4316A>G on transcript NM_198578.4 (MANE Select); coding-DNA position 4316, A replaced by G.
Protein change: p.Lys1439Arg; replaces lysine 1439 with arginine.
Molecular consequence: missense variant.
Genome position (GRCh38, 1-based): chr12:40,309,232, A>G. VCF-style: chr12-40309232-A-G. GRCh37 (hg19) VCF-style: chr12-40703034-A-G.
Other names: short protein forms K1439R.
Identifiers: ClinVar variation 2587285 (VCV002587285.2), dbSNP rs1168297789, ClinGen allele CA384418242.
Genomic context (GRCh38, chr12:40,309,232, plus strand): 5'-ATGACCTCAGCAAGGGACAGGCTGAAGTTGATGCCATGAAGCCTTGGCTCTTCAATATAA[A>G]GGTGATTTGTTCTGATCATTTGAAAATAGAAAATAATTCATGTGTCTGTGTGCGTGTGTG-3'
Protein context (NP_940980.4, residues 1429-1449): DAMKPWLFNI[Lys1439Arg]ARASSSPVIL

ClinVar aggregate classification (germline): Uncertain significance (1 of 4 stars; one submission).

Conditions:
Inborn genetic diseases. Identifiers: MedGen C0950123, MeSH D030342.

gnomAD v4.1: 1 of 1,613,374 alleles (0.000062%); highest among the groups gnomAD compares: Admixed American, 0.0017%; no homozygotes.

Submission:

Ambry Genetics
Classification: Uncertain significance for Inborn genetic diseases. Last evaluated: 2023-08-04. Review status: criteria provided, single submitter. Criteria: Ambry Variant Classification Scheme 2023. Collection method: clinical testing. Allele origin: germline.
Comment: The p.K1439R variant (also known as c.4316A>G), located in coding exon 30 of the LRRK2 gene, results from an A to G substitution at nucleotide position 4316. The lysine at codon 1439 is replaced by arginine, an amino acid with highly similar properties. This amino acid position is conserved. In addition, the in silico prediction for this alteration is inconclusive. Since supporting evidence is limited at this time, the clinical significance of this alteration remains unclear.